The following is an entry in ClinVar:

ClinVar aggregate classification (germline): Uncertain significance (1 of 4 stars; one submission).

Conditions:
Inborn genetic diseases. Identifiers: MedGen C0950123, MeSH D030342.

gnomAD v4.1: 2 of 1,613,598 alleles (0.00012%); highest among the groups gnomAD compares: South Asian, 0.0022%; no homozygotes.

Submission:

Ambry Genetics
Classification: Uncertain significance for Inborn genetic diseases. Last evaluated: 2024-04-22. Review status: criteria provided, single submitter. Criteria: Ambry Variant Classification Scheme 2023. Collection method: clinical testing. Allele origin: germline.
Comment: The p.Q1542P variant (also known as c.4625A>C), located in coding exon 26 of the ATR gene, results from an A to C substitution at nucleotide position 4625. The glutamine at codon 1542 is replaced by proline, an amino acid with similar properties. This amino acid position is conserved. In addition, this alteration is predicted to be tolerated by in silico analysis. Based on the available evidence, the clinical significance of this variant remains unclear.

NM_001184.4(ATR):c.4625A>C (p.Gln1542Pro)

Gene: ATR (ATR serine/threonine kinase; minus strand). Cytogenetic location: 3q23.
Variant type: single nucleotide variant.
Coding change: c.4625A>C on transcript NM_001184.4 (MANE Select); coding-DNA position 4625, A replaced by C.
Protein change: p.Gln1542Pro; replaces glutamine 1542 with proline.
Molecular consequence: missense variant.
Genome position (GRCh38, 1-based): chr3:142,513,517, T>G on the plus strand (A>C on the coding strand, the complement: ATR is on the minus strand). VCF-style: chr3-142513517-T-G. GRCh37 (hg19) VCF-style: chr3-142232359-T-G.
Other names: c.4433A>C, p.Gln1478Pro (NM_001354579.2); short protein forms Q1542P, Q1478P.
Identifiers: ClinVar variation 3331704 (VCV003331704.1).